The following is an entry in ClinVar:

ClinVar aggregate classification (germline): Uncertain significance (1 of 4 stars; one submission).

gnomAD v4.1: 3 of 1,613,118 alleles (0.00019%); highest among the groups gnomAD compares: Non-Finnish European, 0.00025%; no homozygotes.

Submission:

Labcorp Genetics (formerly Invitae), Labcorp
Classification: Uncertain significance. Last evaluated: 2024-06-04. Review status: criteria provided, single submitter. Criteria: Invitae Variant Classification Sherloc (09022015). Collection method: clinical testing. Allele origin: germline.
Comment: This sequence change replaces glutamic acid, which is acidic and polar, with alanine, which is neutral and non-polar, at codon 28 of the POLR1D protein (p.Glu28Ala). This variant is not present in population databases (gnomAD no frequency). This variant has not been reported in the literature in individuals affected with POLR1D-related conditions. An algorithm developed to predict the effect of missense changes on protein structure and function (PolyPhen-2) suggests that this variant is likely to be tolerated. In summary, the available evidence is currently insufficient to determine the role of this variant in disease. Therefore, it has been classified as a Variant of Uncertain Significance.

NM_015972.4(POLR1D):c.83A>C (p.Glu28Ala)

Genes: POLR1D (RNA polymerase I and III subunit D; plus strand), LOC147380392 (uncharacterized LOC147380392; plus strand). Cytogenetic location: 13q12.2.
Variant type: single nucleotide variant.
Coding change: c.83A>C on transcript NM_015972.4 (MANE Select); coding-DNA position 83, A replaced by C.
Protein change: p.Glu28Ala; replaces glutamic acid 28 with alanine.
Molecular consequence: missense variant. On other transcripts: intron variant (2).
Genome position (GRCh38, 1-based): chr13:27,622,931, A>C. VCF-style: chr13-27622931-A-C. GRCh37 (hg19) VCF-style: chr13-28197068-A-C.
Other names: c.83A>C, p.Glu28Ala (NM_001374407.1); c.-59+1791A>C (NM_001206559.2); c.26+922A>C (NM_152705.3); short protein forms E28A.
Identifiers: ClinVar variation 3629139 (VCV003629139.2).